The following is an entry in ClinVar:

NM_001373.1:c.4371G>T

Gene: DNAH14 (dynein axonemal heavy chain 14; plus strand).
Variant type: single nucleotide variant.
Identifiers: ClinVar variation 4685016 (VCV004685016.1).

ClinVar aggregate classification (germline): Uncertain significance (1 of 4 stars; one submission).

Submission:

GeneDx
Classification: Uncertain significance. Last evaluated: 2025-07-12. Review status: criteria provided, single submitter. Criteria: GeneDx Variant Classification Process June 2021. Collection method: clinical testing. Allele origin: germline. Affected: yes.
Comment: Not observed at significant frequency in large population cohorts (gnomAD); In silico analysis supports that this missense variant has a deleterious effect on protein structure/function; Has not been previously published as pathogenic or benign to our knowledge